The following is an entry in ClinVar:

ClinVar aggregate classification (germline): Uncertain significance. Review status: criteria provided, multiple submitters, no conflicts (2 of 4 stars). 2 submissions from 2 submitters: Uncertain significance (2). Last evaluated 2024-02-12.

Allele frequency attached by ClinVar (database versions not stated): ExAC 0.00002; gnomAD exomes 0.00002 and 0.00004; gnomAD 0.00011; TOPMed 0.00012; ESP Exome Variant Server 0.00015.
gnomAD v4.1: 50 of 1,613,872 alleles (0.0031%); highest among the groups gnomAD compares: African/African-American, 0.047%; no homozygotes.

Submissions (2):

GeneDx
Classification: Uncertain significance. Last evaluated: 2024-02-12. Review status: criteria provided, single submitter. Criteria: GeneDx Variant Classification Process June 2021. Collection method: clinical testing. Allele origin: germline. Affected: yes.
Comment: Has not been previously published as pathogenic or benign to our knowledge; In silico analysis supports that this missense variant does not alter protein structure/function

Labcorp Genetics (formerly Invitae), Labcorp
Classification: Uncertain significance. Last evaluated: 2022-09-28. Review status: criteria provided, single submitter. Criteria: Invitae Variant Classification Sherloc (09022015). Collection method: clinical testing. Allele origin: germline.
Comment: This sequence change replaces arginine, which is basic and polar, with glutamine, which is neutral and polar, at codon 600 of the FCHO1 protein (p.Arg600Gln). This variant is present in population databases (rs148167960, gnomAD 0.05%). This variant has not been reported in the literature in individuals affected with FCHO1-related conditions. ClinVar contains an entry for this variant (Variation ID: 1430564). Algorithms developed to predict the effect of missense changes on protein structure and function are either unavailable or do not agree on the potential impact of this missense change (SIFT: "Tolerated"; PolyPhen-2: "Probably Damaging"; Align-GVGD: "Class C0"). Algorithms developed to predict the effect of sequence changes on RNA splicing suggest that this variant may create or strengthen a splice site. In summary, the available evidence is currently insufficient to determine the role of this variant in disease. Therefore, it has been classified as a Variant of Uncertain Significance.

NM_015122.3(FCHO1):c.1799G>A (p.Arg600Gln)

Gene: FCHO1 (FCH and mu domain containing endocytic adaptor 1; plus strand). Cytogenetic location: 19p13.11.
Variant type: single nucleotide variant.
Coding change: c.1799G>A on transcript NM_015122.3 (MANE Select); coding-DNA position 1799, G replaced by A.
Protein change: p.Arg600Gln; replaces arginine 600 with glutamine.
Molecular consequence: missense variant. On other transcripts: non-coding transcript variant (36).
Genome position (GRCh38, 1-based): chr19:17,781,510, G>A. VCF-style: chr19-17781510-G-A. GRCh37 (hg19) VCF-style: chr19-17892319-G-A.
Other names: c.1799G>A, p.Arg600Gln (NM_001161357.2, NM_001161358.2, NM_001384370.1 and 13 more transcripts); c.1649G>A, p.Arg550Gln (NM_001161359.2, NM_001384384.1, NM_001384385.1 and 1 more transcripts); c.1760G>A, p.Arg587Gln (NM_001384388.1, NM_001384389.1, NM_001384405.1); c.1724G>A, p.Arg575Gln (NM_001384390.1); c.1682G>A, p.Arg561Gln (NM_001384392.1, NM_001384393.1, NM_001384394.1 and 1 more transcripts); c.1523G>A, p.Arg508Gln (NM_001384396.1, NM_001384397.1, NM_001384398.1 and 5 more transcripts); c.1478G>A, p.Arg493Gln (NM_001384403.1); c.1373G>A, p.Arg458Gln (NM_001384406.1); and 2 more; short protein forms R575Q, R493Q, R508Q, R587Q, R600Q, R410Q, R458Q, R550Q.
Identifiers: ClinVar variation 1430564 (VCV001430564.6), dbSNP rs148167960, ClinGen allele CA9300635.